The following is an entry in ClinVar:

ClinVar aggregate classification (germline): Conflicting classifications of pathogenicity. Review status: criteria provided, conflicting classifications (1 of 4 stars). 3 submissions from 3 submitters: Uncertain significance (2); Likely benign (1). Last evaluated 2025-06-27.

Conditions:
AHCY-related disorder. Also called: AHCY-related condition.
Hypermethioninemia with deficiency of S-adenosylhomocysteine hydrolase. Identifiers: Orphanet 88618, MedGen C3151058, MONDO:0013404, OMIM 613752.

Allele frequency attached by ClinVar (database versions not stated): ExAC 0.00017; gnomAD exomes 0.00018; 1000 Genomes Project 30x 0.00047; TOPMed 0.00053; ESP Exome Variant Server 0.00054; 1000 Genomes Project 0.00060.

Submissions (3):

PreventionGenetics, part of Exact Sciences
Classification: Likely benign for AHCY-related condition. Last evaluated: 2025-06-27. Review status: criteria provided, single submitter. Criteria: ACMG Guidelines, 2015. Collection method: clinical testing. Allele origin: germline.
Comment: This variant is classified as likely benign based on ACMG/AMP sequence variant interpretation guidelines (Richards et al. 2015 PMID: 25741868, with internal and published modifications).

Labcorp Genetics (formerly Invitae), Labcorp
Classification: Uncertain significance for Hypermethioninemia with deficiency of S-adenosylhomocysteine hydrolase. Last evaluated: 2022-08-23. Review status: criteria provided, single submitter. Criteria: Invitae Variant Classification Sherloc (09022015). Collection method: clinical testing. Allele origin: germline.
Comment: This sequence change replaces arginine, which is basic and polar, with cysteine, which is neutral and slightly polar, at codon 334 of the AHCY protein (p.Arg334Cys). This variant is present in population databases (rs150066229, gnomAD 0.2%). This variant has not been reported in the literature in individuals affected with AHCY-related conditions. ClinVar contains an entry for this variant (Variation ID: 653403). Algorithms developed to predict the effect of missense changes on protein structure and function are either unavailable or do not agree on the potential impact of this missense change (SIFT: "Not Available"; PolyPhen-2: "Possibly Damaging"; Align-GVGD: "Not Available"). In summary, the available evidence is currently insufficient to determine the role of this variant in disease. Therefore, it has been classified as a Variant of Uncertain Significance.

GeneDx
Classification: Uncertain significance. Last evaluated: 2021-04-16. Review status: criteria provided, single submitter. Criteria: GeneDx Variant Classification Process June 2021. Collection method: clinical testing. Allele origin: germline. Affected: yes.
Comment: In silico analysis supports that this missense variant has a deleterious effect on protein structure/function; Has not been previously published as pathogenic or benign to our knowledge

NM_000687.4(AHCY):c.1000C>T (p.Arg334Cys)

Gene: AHCY (adenosylhomocysteinase; minus strand). Cytogenetic location: 20q11.22.
Variant type: single nucleotide variant.
Coding change: c.1000C>T on transcript NM_000687.4 (MANE Select); coding-DNA position 1000, C replaced by T.
Protein change: p.Arg334Cys; replaces arginine 334 with cysteine.
Molecular consequence: missense variant.
Genome position (GRCh38, 1-based): chr20:34,285,607, G>A on the plus strand (C>T on the coding strand, the complement: AHCY is on the minus strand). VCF-style: chr20-34285607-G-A. GRCh37 (hg19) VCF-style: chr20-32873413-G-A.
Other names: c.916C>T, p.Arg306Cys (NM_001161766.2, NM_001322084.2, NM_001322085.2); c.1006C>T, p.Arg336Cys (NM_001322086.2); c.1000C>T, p.Arg334Cys (NM_001362750.2); short protein forms R306C, R334C, R336C.
Identifiers: ClinVar variation 653403 (VCV000653403.8), dbSNP rs150066229, ClinGen allele CA9820803.
Genomic context (GRCh38, chr20:34,285,607, plus strand): 5'-GGTGGCCCATGGCACAACCCAGGTTGACCAGCCGACCCTCGGCCAGCAGGATGATGCGGC[G>A]CCCATTCTTCAACCGATACCGGTCCACCTACACGCAGGCAGGGCAACAGTGAAGGCAGGC-3'
Protein context (NP_000678.1, residues 324-344): QVDRYRLKNG[Arg334Cys]RIILLAEGRL